The following is an entry in ClinVar:

NM_015386.3(COG4):c.2236-17dup

Gene: COG4 (component of oligomeric golgi complex 4; minus strand). Cytogenetic location: 16q22.1.
Variant type: Duplication.
Coding change: c.2236-17dup on transcript NM_015386.3 (MANE Select); 17 bases into the intron before coding-DNA position 2236, one base duplicated (T; older notation c.2236-17dupT).
Molecular consequence: intron variant.
Genome position (GRCh38, 1-based): chr16:70,481,161, A duplicated on the plus strand (T on the coding strand, the reverse complement: COG4 is on the minus strand). VCF-style (leftmost placement, unchanged base first): chr16-70481160-T-TA. GRCh37 (hg19) VCF-style: chr16-70515063-T-TA.
Other names: c.2161-17dup (NM_001195139.2); c.1810-17dup (NM_001365426.1).
Identifiers: ClinVar variation 420287 (VCV000420287.1), dbSNP rs1555573025, ClinGen allele CA16620265.

ClinVar aggregate classification (germline): Likely benign (1 of 4 stars; one submission).

Submission:

GeneDx
Classification: Likely benign. Last evaluated: 2016-02-12. Review status: criteria provided, single submitter. Criteria: GeneDx Variant Classification (06012015). Collection method: clinical testing. Allele origin: germline. Affected: yes.
Comment: This variant is considered likely benign or benign based on one or more of the following criteria: it is a conservative change, it occurs at a poorly conserved position in the protein, it is predicted to be benign by multiple in silico algorithms, and/or has population frequency not consistent with disease.